The following is an entry in ClinVar:

ClinVar aggregate classification (germline): Benign/Likely benign. Review status: criteria provided, multiple submitters, no conflicts (2 of 4 stars). 5 submissions from 5 submitters: Benign (3); Likely benign (2). Last evaluated 2026-01-26.

Conditions:
Inborn genetic diseases. Identifiers: MedGen C0950123, MeSH D030342.
Intellectual developmental disorder, autosomal dominant 6, with or without seizures. Also called: Intellectual disability, autosomal dominant 6; GRIN2B-related developmental delay, intellectual disability and autism spectrum disorder. Identifiers: Orphanet 589547, MedGen C3151411, MONDO:0013509, OMIM 613970.
Developmental and epileptic encephalopathy, 27 (DEE27). Also called: Epileptic encephalopathy, early infantile, 27; GRIN2B-Related Neurodevelopmental Disorder. Identifiers: Orphanet 3451, MedGen C4015316, MONDO:0014505, OMIM 616139.

Allele frequency attached by ClinVar (database versions not stated): gnomAD exomes 0.00009 and 0.00022; ExAC 0.00033; gnomAD 0.00090 and 0.00102; TOPMed 0.00096; ESP Exome Variant Server 0.00154.
gnomAD v4.1: 268 of 1,613,172 alleles (0.017%); highest among the groups gnomAD compares: African/African-American, 0.32%; 1 homozygote.

Submissions (5):

Labcorp Genetics (formerly Invitae), Labcorp
Classification: Benign for Developmental and epileptic encephalopathy, 27; Intellectual developmental disorder, autosomal dominant 6, with or without seizures. Last evaluated: 2026-01-26. Review status: criteria provided, single submitter. Criteria: Invitae Variant Classification Sherloc (09022015). Collection method: clinical testing. Allele origin: germline.

ARUP Laboratories, Molecular Genetics and Genomics, ARUP Laboratories
Classification: Benign. Last evaluated: 2023-12-22. Review status: criteria provided, single submitter. Criteria: ARUP Molecular Germline Variant Investigation Process 2024. Collection method: clinical testing. Allele origin: germline.

Blueprint Genetics
Classification: Likely benign. Last evaluated: 2023-12-07. Review status: criteria provided, single submitter. Criteria: ACMG Guidelines, 2015. Collection method: clinical testing. Allele origin: germline.

Ambry Genetics
Classification: Likely benign for Inborn genetic diseases. Last evaluated: 2017-05-31. Review status: criteria provided, single submitter. Criteria: Ambry Variant Classification Scheme 2023. Collection method: clinical testing. Allele origin: germline.

GeneDx
Classification: Benign. Last evaluated: 2014-04-09. Review status: criteria provided, single submitter. Criteria: GeneDx Variant Classification (06012015). Collection method: clinical testing. Allele origin: germline. Affected: yes.
Comment: This variant is considered likely benign or benign based on one or more of the following criteria: it is a conservative change, it occurs at a poorly conserved position in the protein, it is predicted to be benign by multiple in silico algorithms, and/or has population frequency not consistent with disease.

NM_000834.5(GRIN2B):c.1338A>G (p.Thr446=)

Gene: GRIN2B (glutamate ionotropic receptor NMDA type subunit 2B; minus strand). Cytogenetic location: 12p13.1.
Variant type: single nucleotide variant.
Coding change: c.1338A>G on transcript NM_000834.5 (MANE Select); coding-DNA position 1338, A replaced by G.
Protein change: p.Thr446=; no amino-acid change (threonine 446 retained).
Molecular consequence: synonymous variant.
Genome position (GRCh38, 1-based): chr12:13,615,655, T>C on the plus strand (A>G on the coding strand, the complement: GRIN2B is on the minus strand). VCF-style: chr12-13615655-T-C. GRCh37 (hg19) VCF-style: chr12-13768589-T-C.
Other names: p.T446T:ACA>ACG.
Identifiers: ClinVar variation 137518 (VCV000137518.18), dbSNP rs141031272, ClinGen allele CA291131.